The following is an entry in ClinVar:

ClinVar aggregate classification (germline): Benign. Review status: criteria provided, multiple submitters, no conflicts (2 of 4 stars). 2 submissions from 2 submitters: Benign (2). Last evaluated 2018-06-18.

Allele frequency attached by ClinVar (database versions not stated): 1000 Genomes Project 30x 0.67021; 1000 Genomes Project 0.67252; TOPMed 0.73676; gnomAD 0.75222 and 0.75283.
gnomAD v4.1: 114,375 of 152,026 alleles (75%); highest among the groups gnomAD compares: Non-Finnish European, 85%; 43,899 homozygotes.

Submissions (2):

GeneDx
Classification: Benign. Last evaluated: 2018-06-18. Review status: criteria provided, single submitter. Criteria: GeneDx Variant Classification (06012015). Collection method: clinical testing. Allele origin: germline. Affected: yes.
Comment: This variant is considered likely benign or benign based on one or more of the following criteria: it is a conservative change, it occurs at a poorly conserved position in the protein, it is predicted to be benign by multiple in silico algorithms, and/or has population frequency not consistent with disease.

Breakthrough Genomics
Classification: Benign. Review status: criteria provided, single submitter. Criteria: ACMG Guidelines, 2015. Collection method: not provided. Allele origin: germline. Inheritance: Autosomal dominant inheritance. Affected: yes.

NM_001844.5(COL2A1):c.969+189T>G

Gene: COL2A1 (collagen type II alpha 1 chain; minus strand). Cytogenetic location: 12q13.11.
Variant type: single nucleotide variant.
Coding change: c.969+189T>G on transcript NM_001844.5 (MANE Select); 189 bases into the intron after coding-DNA position 969, T replaced by G.
Molecular consequence: intron variant.
Genome position (GRCh38, 1-based): chr12:47,993,269, A>C on the plus strand (T>G on the coding strand, the complement: COL2A1 is on the minus strand). VCF-style: chr12-47993269-A-C. GRCh37 (hg19) VCF-style: chr12-48387052-A-C.
Other names: c.762+189T>G (NM_033150.3).
Identifiers: ClinVar variation 677854 (VCV000677854.2), dbSNP rs1793912, ClinGen allele CA236490409.